The following is an entry in ClinVar:

NM_001039591.3(USP9X):c.5718A>G (p.Thr1906=)

Gene: USP9X (ubiquitin specific peptidase 9 X-linked; plus strand). Cytogenetic location: Xp11.4.
Variant type: single nucleotide variant.
Coding change: c.5718A>G on transcript NM_001039591.3 (MANE Select); coding-DNA position 5718, A replaced by G.
Protein change: p.Thr1906=; no amino-acid change (threonine 1906 retained).
Molecular consequence: synonymous variant.
Genome position (GRCh38, 1-based): chrX:41,216,285, A>G. VCF-style: chrX-41216285-A-G. GRCh37 (hg19) VCF-style: chrX-41075538-A-G.
Other names: c.5718A>G, p.Thr1906= (NM_001039590.3).
Identifiers: ClinVar variation 712878 (VCV000712878.15), dbSNP rs73480466, ClinGen allele CA10389022.

ClinVar aggregate classification (germline): Benign/Likely benign. Review status: criteria provided, multiple submitters, no conflicts (2 of 4 stars). 5 submissions from 5 submitters: Benign (3); Likely benign (1). 1 of the submissions does not count toward it. Last evaluated 2025-12-24.

Conditions:
USP9X-related disorder. Also called: USP9X-related condition.

Allele frequency attached by ClinVar (database versions not stated): gnomAD exomes 0.00028 and 0.00099; ExAC 0.00119; 1000 Genomes Project 0.00185; 1000 Genomes Project 30x 0.00229; gnomAD 0.00335 and 0.00374; TOPMed 0.00365; ESP Exome Variant Server 0.00445.
gnomAD v4.1: 710 of 1,210,333 alleles (0.059%); highest among the groups gnomAD compares: African/African-American, 1.1%; 2 homozygotes.

Submissions (5):

Labcorp Genetics (formerly Invitae), Labcorp
Classification: Benign. Last evaluated: 2025-12-24. Review status: criteria provided, single submitter. Criteria: Invitae Variant Classification Sherloc (09022015). Collection method: clinical testing. Allele origin: germline.

Blueprint Genetics
Classification: Likely benign. Last evaluated: 2024-08-28. Review status: criteria provided, single submitter. Criteria: ACMG Guidelines, 2015. Collection method: clinical testing. Allele origin: germline.

GeneDx
Classification: Benign. Last evaluated: 2019-12-03. Review status: criteria provided, single submitter. Criteria: GeneDx Variant Classification Process June 2021. Collection method: clinical testing. Allele origin: germline. Affected: yes.

Breakthrough Genomics
Classification: Benign. Review status: criteria provided, single submitter. Criteria: ACMG Guidelines, 2015. Collection method: not provided. Allele origin: germline. Inheritance: X-linked inheritance. Affected: yes.

PreventionGenetics, part of Exact Sciences
Classification: Benign for USP9X-related condition. Last evaluated: 2024-08-09. Review status: no assertion criteria provided. Collection method: clinical testing. Allele origin: germline. Not counted in ClinVar's aggregate classification.
Comment: This variant is classified as benign based on ACMG/AMP sequence variant interpretation guidelines (Richards et al. 2015 PMID: 25741868, with internal and published modifications).